The following is an entry in ClinVar:

NM_024312.5(GNPTAB):c.2257A>T (p.Ile753Leu)

Gene: GNPTAB (N-acetylglucosamine-1-phosphate transferase subunits alpha and beta; minus strand). Cytogenetic location: 12q23.2.
Variant type: single nucleotide variant.
Coding change: c.2257A>T on transcript NM_024312.5 (MANE Select); coding-DNA position 2257, A replaced by T.
Protein change: p.Ile753Leu; replaces isoleucine 753 with leucine.
Molecular consequence: missense variant.
Genome position (GRCh38, 1-based): chr12:101,764,660, T>A on the plus strand (A>T on the coding strand, the complement: GNPTAB is on the minus strand). VCF-style: chr12-101764660-T-A. GRCh37 (hg19) VCF-style: chr12-102158438-T-A.
Other names: c.2257A>T (NM_024312.4); short protein forms I753L.
Identifiers: ClinVar variation 2145825 (VCV002145825.2), dbSNP rs781633355, ClinGen allele CA6746457.

ClinVar aggregate classification (germline): Uncertain significance. Review status: criteria provided, multiple submitters, no conflicts (2 of 4 stars). 2 submissions from 2 submitters: Uncertain significance (2). Last evaluated 2022-08-19.

Conditions:
Inborn genetic diseases. Identifiers: MedGen C0950123, MeSH D030342.
Mucolipidosis type II. Also called: Mucolipidosis 2; ML 2; Inclusion cell disease; Leroy Disease; N-acetylglucosamine 1phosphotransferase deficiency; ML disorder type 2. Identifiers: Orphanet 576, MedGen C2673377, MONDO:0009650, OMIM 252500.
Pseudo-Hurler polydystrophy. Also called: ML IIIA; Mucolipidosis III Alpha/Beta; MUCOLIPIDOSIS IIIA; ML III; ML III ALPHA/BETA; Type III Mucolipidosis. Identifiers: Orphanet 423461, Orphanet 577, MedGen C0033788, MONDO:0018931, OMIM 252600.

Allele frequency attached by ClinVar (database versions not stated): gnomAD 0.00001.
gnomAD v4.1: 17 of 1,612,868 alleles (0.0011%); highest among the groups gnomAD compares: Middle Eastern, 0.016%; no homozygotes.

Submissions (2):

Labcorp Genetics (formerly Invitae), Labcorp
Classification: Uncertain significance for Pseudo-Hurler polydystrophy; Mucolipidosis type II. Last evaluated: 2022-08-19. Review status: criteria provided, single submitter. Criteria: Invitae Variant Classification Sherloc (09022015). Collection method: clinical testing. Allele origin: germline.
Comment: This sequence change replaces isoleucine, which is neutral and non-polar, with leucine, which is neutral and non-polar, at codon 753 of the GNPTAB protein (p.Ile753Leu). This variant is present in population databases (rs781633355, gnomAD 0.003%). This variant has not been reported in the literature in individuals affected with GNPTAB-related conditions. Advanced modeling of protein sequence and biophysical properties (such as structural, functional, and spatial information, amino acid conservation, physicochemical variation, residue mobility, and thermodynamic stability) performed at Invitae indicates that this missense variant is not expected to disrupt GNPTAB protein function. In summary, the available evidence is currently insufficient to determine the role of this variant in disease. Therefore, it has been classified as a Variant of Uncertain Significance.

Ambry Genetics
Classification: Uncertain significance for Inborn genetic diseases. Last evaluated: 2022-08-16. Review status: criteria provided, single submitter. Criteria: Ambry Variant Classification Scheme 2023. Collection method: clinical testing. Allele origin: germline.